The following is an entry in ClinVar:

ClinVar aggregate classification (germline): Uncertain significance. Review status: criteria provided, multiple submitters, no conflicts (2 of 4 stars). 3 submissions from 3 submitters: Uncertain significance (3). Last evaluated 2023-11-17.

Conditions:
Inborn genetic diseases. Identifiers: MedGen C0950123, MeSH D030342.

Allele frequency attached by ClinVar (database versions not stated): gnomAD exomes 0.00002 and 0.00006; ExAC 0.00009; 1000 Genomes Project 30x 0.00016; 1000 Genomes Project 0.00020; gnomAD 0.00025 and 0.00029; TOPMed 0.00029; ESP Exome Variant Server 0.00038.
gnomAD v4.1: 68 of 1,597,590 alleles (0.0043%); highest among the groups gnomAD compares: African/African-American, 0.087%; no homozygotes.

Submissions (3):

Ambry Genetics
Classification: Uncertain significance for Inborn genetic diseases. Last evaluated: 2023-11-17. Review status: criteria provided, single submitter. Criteria: Ambry Variant Classification Scheme 2023. Collection method: clinical testing. Allele origin: germline.

Labcorp Genetics (formerly Invitae), Labcorp
Classification: Uncertain significance. Last evaluated: 2022-10-17. Review status: criteria provided, single submitter. Criteria: Invitae Variant Classification Sherloc (09022015). Collection method: clinical testing. Allele origin: germline.
Comment: This sequence change replaces threonine, which is neutral and polar, with alanine, which is neutral and non-polar, at codon 1548 of the MCM3AP protein (p.Thr1548Ala). This variant is present in population databases (rs146744485, gnomAD 0.1%). This variant has not been reported in the literature in individuals affected with MCM3AP-related conditions. ClinVar contains an entry for this variant (Variation ID: 1469070). Algorithms developed to predict the effect of missense changes on protein structure and function output the following: SIFT: "Tolerated"; PolyPhen-2: "Benign"; Align-GVGD: "Class C0". The alanine amino acid residue is found in multiple mammalian species, which suggests that this missense change does not adversely affect protein function. In summary, the available evidence is currently insufficient to determine the role of this variant in disease. Therefore, it has been classified as a Variant of Uncertain Significance.

GeneDx
Classification: Uncertain significance. Last evaluated: 2022-04-19. Review status: criteria provided, single submitter. Criteria: GeneDx Variant Classification Process June 2021. Collection method: clinical testing. Allele origin: germline. Affected: yes.
Comment: In silico analysis supports that this missense variant does not alter protein structure/function; Has not been previously published as pathogenic or benign to our knowledge

NM_003906.5(MCM3AP):c.4642A>G (p.Thr1548Ala)

Genes: MCM3AP (minichromosome maintenance complex component 3 associated protein; minus strand), MCM3AP-AS1 (MCM3AP antisense RNA 1; plus strand). Cytogenetic location: 21q22.3.
Variant type: single nucleotide variant.
Coding change: c.4642A>G on transcript NM_003906.5 (MANE Select); coding-DNA position 4642, A replaced by G.
Protein change: p.Thr1548Ala; replaces threonine 1548 with alanine.
Molecular consequence: missense variant.
Genome position (GRCh38, 1-based): chr21:46,246,312, T>C on the plus strand (A>G on the coding strand, the complement: MCM3AP is on the minus strand). VCF-style: chr21-46246312-T-C. GRCh37 (hg19) VCF-style: chr21-47666226-T-C.
Other names: c.4642A>G (NM_003906.3); short protein forms T1548A.
Identifiers: ClinVar variation 1469070 (VCV001469070.6), dbSNP rs146744485, ClinGen allele CA10076063.